The following is an entry in ClinVar:

NM_032776.3(JMJD1C):c.1957C>T (p.Pro653Ser)

Gene: JMJD1C (jumonji domain containing 1C; minus strand). Cytogenetic location: 10q21.3.
Variant type: single nucleotide variant.
Coding change: c.1957C>T on transcript NM_032776.3 (MANE Select); coding-DNA position 1957, C replaced by T.
Protein change: p.Pro653Ser; replaces proline 653 with serine.
Molecular consequence: missense variant. On other transcripts: non-coding transcript variant (1).
Genome position (GRCh38, 1-based): chr10:63,214,210, G>A on the plus strand (C>T on the coding strand, the complement: JMJD1C is on the minus strand). VCF-style: chr10-63214210-G-A. GRCh37 (hg19) VCF-style: chr10-64973970-G-A.
Other names: c.1411C>T, p.Pro471Ser (NM_001282948.2, NM_001318154.2); c.1093C>T, p.Pro365Ser (NM_001318153.2); c.1843C>T, p.Pro615Ser (NM_001322252.2); c.1300C>T, p.Pro434Ser (NM_001322254.2, NM_001322258.2); short protein forms P365S, P434S, P653S, P471S, P615S.
Identifiers: ClinVar variation 969012 (VCV000969012.9), dbSNP rs1847695957, ClinGen allele CA377047016.

ClinVar aggregate classification (germline): Uncertain significance (1 of 4 stars; one submission).

Conditions:
Early Myoclonic Encephalopathy. Identifiers: MedGen C0270855.

gnomAD v4.1: 4 of 1,613,978 alleles (0.00025%); highest among the groups gnomAD compares: Middle Eastern, 0.033%; no homozygotes.

Submission:

Labcorp Genetics (formerly Invitae), Labcorp
Classification: Uncertain significance for Early Myoclonic Encephalopathy. Last evaluated: 2023-08-02. Review status: criteria provided, single submitter. Criteria: Invitae Variant Classification Sherloc (09022015). Collection method: clinical testing. Allele origin: germline.
Comment: This sequence change replaces proline, which is neutral and non-polar, with serine, which is neutral and polar, at codon 653 of the JMJD1C protein (p.Pro653Ser). In summary, the available evidence is currently insufficient to determine the role of this variant in disease. Therefore, it has been classified as a Variant of Uncertain Significance. Advanced modeling of protein sequence and biophysical properties (such as structural, functional, and spatial information, amino acid conservation, physicochemical variation, residue mobility, and thermodynamic stability) performed at Invitae indicates that this missense variant is not expected to disrupt JMJD1C protein function. ClinVar contains an entry for this variant (Variation ID: 969012). This variant has not been reported in the literature in individuals affected with JMJD1C-related conditions. This variant is not present in population databases (gnomAD no frequency).